The following is an entry in ClinVar:

NM_014271.4(IL1RAPL1):c.680G>A (p.Arg227Lys)

Gene: IL1RAPL1 (interleukin 1 receptor accessory protein like 1; plus strand). Cytogenetic location: Xp21.2.
Variant type: single nucleotide variant.
Coding change: c.680G>A on transcript NM_014271.4 (MANE Select); coding-DNA position 680, G replaced by A.
Protein change: p.Arg227Lys; replaces arginine 227 with lysine.
Molecular consequence: missense variant.
Genome position (GRCh38, 1-based): chrX:29,399,285, G>A. VCF-style: chrX-29399285-G-A. GRCh37 (hg19) VCF-style: chrX-29417402-G-A.
Other names: short protein forms R227K.
Identifiers: ClinVar variation 3897421 (VCV003897421.2).

ClinVar aggregate classification (germline): Uncertain significance. Review status: criteria provided, multiple submitters, no conflicts (2 of 4 stars). 2 submissions from 2 submitters: Uncertain significance (2). Last evaluated 2025-12-04.

Conditions:
Inborn genetic diseases. Identifiers: MedGen C0950123, MeSH D030342.

gnomAD v4.1: 3 of 1,205,033 alleles (0.00025%); highest among the groups gnomAD compares: Non-Finnish European, 0.00022%; no homozygotes.

Submissions (2):

Ambry Genetics
Classification: Uncertain significance for Inborn genetic diseases. Last evaluated: 2025-12-04. Review status: criteria provided, single submitter. Criteria: Ambry Variant Classification Scheme 2023. Collection method: clinical testing. Allele origin: germline.

GeneDx
Classification: Uncertain significance. Last evaluated: 2024-11-02. Review status: criteria provided, single submitter. Criteria: GeneDx Variant Classification Process June 2021. Collection method: clinical testing. Allele origin: germline. Affected: yes.
Comment: Not observed at significant frequency in large population cohorts (gnomAD); In silico analysis indicates that this missense variant does not alter protein structure/function; Has not been previously published as pathogenic or benign to our knowledge